The following is an entry in ClinVar:

ClinVar aggregate classification (germline): Uncertain significance. Review status: criteria provided, multiple submitters, no conflicts (2 of 4 stars). 2 submissions from 2 submitters: Uncertain significance (2). Last evaluated 2026-04-23.

Conditions:
Ehlers-Danlos syndrome, classic type, 1 (EDSCL1). Also called: EHLERS-DANLOS SYNDROME, GRAVIS TYPE; EHLERS-DANLOS SYNDROME, SEVERE CLASSIC TYPE; EDS I; Ehlers-Danlos Syndrome, Classic Type, COL5A1-Related; Ehlers-Danlos syndrome, type 1. Identifiers: MedGen C0268335, MONDO:0019567, OMIM 130000.
Familial thoracic aortic aneurysm and aortic dissection (TAAD). Also called: Thoracic aortic aneurysms and dissections. Identifiers: Orphanet 91387, MedGen C4707243, MONDO:0019625.

Allele frequency attached by ClinVar (database versions not stated): gnomAD exomes below 0.00001; gnomAD 0.00001; TOPMed 0.00001.
gnomAD v4.1: 4 of 1,614,102 alleles (0.00025%); highest among the groups gnomAD compares: Admixed American, 0.0017%; no homozygotes.

Submissions (2):

Ambry Genetics
Classification: Uncertain significance for Familial thoracic aortic aneurysm and aortic dissection. Last evaluated: 2026-04-23. Review status: criteria provided, single submitter. Criteria: Ambry Variant Classification Scheme 2023. Collection method: clinical testing. Allele origin: germline.

Labcorp Genetics (formerly Invitae), Labcorp
Classification: Uncertain significance for Ehlers-Danlos syndrome, classic type, 1. Last evaluated: 2025-12-17. Review status: criteria provided, single submitter. Criteria: Invitae Variant Classification Sherloc (09022015). Collection method: clinical testing. Allele origin: germline.
Comment: This sequence change replaces glycine, which is neutral and non-polar, with arginine, which is basic and polar, at codon 1596 of the COL5A1 protein (p.Gly1596Arg). This variant is not present in population databases (gnomAD no frequency). This variant has not been reported in the literature in individuals affected with COL5A1-related conditions. ClinVar contains an entry for this variant (Variation ID: 1024877). Invitae Evidence Modeling of protein sequence and biophysical properties (such as structural, functional, and spatial information, amino acid conservation, physicochemical variation, residue mobility, and thermodynamic stability) indicates that this missense variant is not expected to disrupt COL5A1 protein function with a negative predictive value of 95%. In summary, the available evidence is currently insufficient to determine the role of this variant in disease. Therefore, it has been classified as a Variant of Uncertain Significance.

NM_000093.5(COL5A1):c.4786G>A (p.Gly1596Arg)

Genes: COL5A1 (collagen type V alpha 1 chain; plus strand), LOC101448202 (uncharacterized LOC101448202; minus strand). Cytogenetic location: 9q34.3.
Variant type: single nucleotide variant.
Coding change: c.4786G>A on transcript NM_000093.5 (MANE Select); coding-DNA position 4786, G replaced by A.
Protein change: p.Gly1596Arg; replaces glycine 1596 with arginine.
Molecular consequence: missense variant.
Genome position (GRCh38, 1-based): chr9:134,824,687, G>A. VCF-style: chr9-134824687-G-A. GRCh37 (hg19) VCF-style: chr9-137716533-G-A.
Other names: c.4786G>A, p.Gly1596Arg (NM_001278074.1); c.4786G>A (NM_000093.3); short protein forms G1596R.
Identifiers: ClinVar variation 1024877 (VCV001024877.49), dbSNP rs918778766, ClinGen allele CA201100610.